The following is an entry in ClinVar:

NM_014249.4(NR2E3):c.245+1G>T

Gene: NR2E3 (nuclear receptor subfamily 2 group E member 3; plus strand). Cytogenetic location: 15q23.
Variant type: single nucleotide variant.
Coding change: c.245+1G>T on transcript NM_014249.4 (MANE Select); the canonical splice donor site of the intron after coding-DNA position 245, G replaced by T.
Molecular consequence: splice donor variant.
Genome position (GRCh38, 1-based): chr15:71,811,610, G>T. VCF-style: chr15-71811610-G-T. GRCh37 (hg19) VCF-style: chr15-72103950-G-T.
Other names: c.245+1G>T (NM_016346.4).
Identifiers: ClinVar variation 4884484 (VCV004884484.1).

ClinVar aggregate classification (germline): Likely pathogenic (1 of 4 stars; one submission).

Conditions:
Retinitis pigmentosa 37 (RP37). Identifiers: Orphanet 791, MedGen C1970163, MONDO:0012625, OMIM 611131.
ENHANCED S-CONE SYNDROME 1 (ESCS1). Also called: RETINOSCHISIS WITH EARLY HEMERALOPIA; FAVRE HYALOIDEORETINAL DEGENERATION. Identifiers: MedGen CN380299, OMIM 268100.

Submission:

Diagnostics Services (NGS), CSIR - Centre For Cellular And Molecular Biology
Classification: Likely pathogenic for ENHANCED S-CONE SYNDROME 1; Retinitis pigmentosa 37. Last evaluated: 2026-07-10. Review status: criteria provided, single submitter. Criteria: ACMG Guidelines, 2015. Collection method: clinical testing. Allele origin: germline. Affected: no. Observed: 1 variant allele, 1 heterozygote.